The following is an entry in ClinVar:

ClinVar aggregate classification (germline): Uncertain significance (1 of 4 stars; one submission).

Submission:

Dasa
Classification: Uncertain significance. Last evaluated: 2025-03-10. Review status: criteria provided, single submitter. Criteria: DASA Assertion Criteria. Collection method: clinical testing. Allele origin: germline.
Comment: NM_001379403.1(WDR26):c.1531C>T (p.Pro511Ser) is a missense variant that results in the substitution of proline with serine. This variant is absent from population databases. The currently available literature and clinical evidence are not sufficient to establish a definitive association between this variant and the reported condition. Therefore, this variant is classified as a variant of uncertain significance.

NM_001379403.1(WDR26):c.1531C>T (p.Pro511Ser)

Gene: WDR26 (WD repeat domain 26; minus strand). Cytogenetic location: 1q42.12.
Variant type: single nucleotide variant.
Coding change: c.1531C>T on transcript NM_001379403.1 (MANE Select); coding-DNA position 1531, C replaced by T.
Protein change: p.Pro511Ser; replaces proline 511 with serine.
Molecular consequence: missense variant.
Genome position (GRCh38, 1-based): chr1:224,404,498, G>A on the plus strand (C>T on the coding strand, the complement: WDR26 is on the minus strand). VCF-style: chr1-224404498-G-A. GRCh37 (hg19) VCF-style: chr1-224592200-G-A.
Other names: c.1183C>T, p.Pro395Ser (NM_001115113.3); c.1231C>T, p.Pro411Ser (NM_025160.7); short protein forms P395S, P411S, P511S.
Identifiers: ClinVar variation 4881600 (VCV004881600.2).